The following is an entry in ClinVar:

NM_002437.5(MPV17):c.461G>T (p.Arg154Met)

Gene: MPV17 (mitochondrial inner membrane protein MPV17; minus strand). Cytogenetic location: 2p23.3.
Variant type: single nucleotide variant.
Coding change: c.461G>T on transcript NM_002437.5 (MANE Select); coding-DNA position 461, G replaced by T.
Protein change: p.Arg154Met; replaces arginine 154 with methionine.
Molecular consequence: missense variant.
Genome position (GRCh38, 1-based): chr2:27,311,899, C>A on the plus strand (G>T on the coding strand, the complement: MPV17 is on the minus strand). VCF-style: chr2-27311899-C-A. GRCh37 (hg19) VCF-style: chr2-27534767-C-A.
Other names: short protein forms R154M.
Identifiers: ClinVar variation 418311 (VCV000418311.4), dbSNP rs886044113, ClinGen allele CA16617524.

ClinVar aggregate classification (germline): Likely pathogenic. Review status: criteria provided, multiple submitters, no conflicts (2 of 4 stars). 4 submissions from 4 submitters: Likely pathogenic (4). Last evaluated 2023-04-08.

Conditions:
Charcot-Marie-Tooth disease, axonal, type 2EE. Also called: CHARCOT-MARIE-TOOTH NEUROPATHY, TYPE 2EE. Identifiers: MedGen C5193076, MONDO:0032728, OMIM 618400.
Mitochondrial DNA depletion syndrome 6 (hepatocerebral type). Also called: NAVAJO NEUROPATHY; Navajo neurohepatopathy; Mitochondrial DNA depletion syndrome type 6. Identifiers: Orphanet 255229, MedGen C1850406, MONDO:0009747, OMIM 256810.

Submissions (4):

Baylor Genetics
Classification: Likely pathogenic for Charcot-Marie-Tooth disease, axonal, type 2EE. Last evaluated: 2023-04-08. Review status: criteria provided, single submitter. Criteria: ACMG Guidelines, 2015. Collection method: clinical testing. Allele origin: unknown.

SIB Swiss Institute of Bioinformatics
Classification: Likely pathogenic for Mitochondrial DNA depletion syndrome 6 (hepatocerebral type). Last evaluated: 2019-08-13. Review status: criteria provided, single submitter. Criteria: ACMG Guidelines, 2015. Collection method: curation. Allele origin: unknown.
Comment: This variant is interpreted as a Likely pathogenic for Mitochondrial DNA depletion syndrome 6, autosomal recessive. The following ACMG Tag(s) were applied: PM2, PP3, PM3-strong.

Wong Mito Lab, Molecular and Human Genetics, Baylor College of Medicine
Classification: Likely pathogenic for Mitochondrial DNA depletion syndrome 6. Last evaluated: 2017-12-01. Review status: criteria provided, single submitter. Criteria: ACMG Guidelines, 2015. Collection method: clinical testing. Allele origin: germline. Affected: yes.

GeneDx
Classification: Likely pathogenic. Last evaluated: 2014-12-19. Review status: criteria provided, single submitter. Criteria: GeneDx Variant Classification (06012015). Collection method: clinical testing. Allele origin: germline. Affected: yes.
Comment: A novel R154M (c.461 G>T) variant that is likely pathogenic was identified in the MPV17 gene. It has not been published as a pathogenic variant, nor has it been reported as a benign polymorphism to our knowledge. The R154M missense change is a non-conservative amino acid substitution, which is likely to impact secondary protein structure as these residues differ in polarity, charge, size and/or other properties. This substitution occurs at a position that is highly conserved across species and in silico analysis predicts this variant is probably damaging to the protein structure/function. A missense variant in a nearby residue (A162D) has been reported in the Human Gene Mutation Database in association with mitochondrial DNA depletion syndrome (Stenson et al., 2014), supporting the functional importance of this region of the protein. Additionally, several in-silico splice prediction models predict that the c.461 G>T nucleotide substitution, responsible for R154M, damages the natural splice donor site for exon 7 which may lead to abnormal gene splicing. However, in the absence of RNA/functional studies, the actual effect of the c.461 G>T sequence change in this individual is unknown. Therefore, R154M (c.461 G>T) is a strong candidate for a pathogenic variant, however the possibility that it is a benign variant cannot be excluded.

Literature cited by the submitters: PubMed 29282788 (cited by SIB Swiss Institute of Bioinformatics).